The following is an entry in ClinVar:

ClinVar aggregate classification (germline): Conflicting classifications of pathogenicity. Review status: criteria provided, conflicting classifications (1 of 4 stars). 9 submissions from 9 submitters: Uncertain significance (7); Likely benign (2). Last evaluated 2026-01-24.

Conditions:
Colorectal cancer, hereditary nonpolyposis, type 6. Also called: Colon cancer, hereditary nonpolyposis, type 6; Colon cancer, hereditary nonpolyposis, type 6, somatic. Identifiers: Orphanet 144, MedGen C1860896, MONDO:0013695, OMIM 614331.
Malignant tumor of esophagus. Also called: Esophageal cancer; Esophageal cancer, somatic. Identifiers: Orphanet 99977, MedGen C0546837, MONDO:0007576, OMIM 133239.
Loeys-Dietz syndrome 2 (LDS2). Also called: AORTIC ANEURYSM, FAMILIAL THORACIC 3; MARFAN SYNDROME, TYPE II; Marfan Syndrome type 2; Marfan like connective tissue disorder; MFS 2; TGFBR2-Related Loeys-Dietz Syndrome. Identifiers: Orphanet 284973, Orphanet 558, MedGen C2674574, MONDO:0012427, OMIM 610168.
Diabetic retinopathy. Identifiers: MedGen C0011884, MONDO:0005266.
Familial thoracic aortic aneurysm and aortic dissection (TAAD). Also called: Thoracic aortic aneurysms and dissections. Identifiers: Orphanet 91387, MedGen C4707243, MONDO:0019625.

Allele frequency attached by ClinVar (database versions not stated): gnomAD exomes 0.00002; ExAC 0.00003; gnomAD 0.00003 and 0.00004; TOPMed 0.00004; ESP Exome Variant Server 0.00008.
gnomAD v4.1: 88 of 1,613,838 alleles (0.0055%); highest among the groups gnomAD compares: Non-Finnish European, 0.0069%; no homozygotes.

Submissions (10):

Labcorp Genetics (formerly Invitae), Labcorp
Classification: Uncertain significance for Familial thoracic aortic aneurysm and aortic dissection. Last evaluated: 2026-01-24. Review status: criteria provided, single submitter. Criteria: Invitae Variant Classification Sherloc (09022015). Collection method: clinical testing. Allele origin: germline.
Comment: This sequence change falls in intron 1 of the TGFBR2 gene. It does not directly change the encoded amino acid sequence of the TGFBR2 protein. It affects a nucleotide within the consensus splice site. This variant is present in population databases (rs375330013, gnomAD 0.005%). This variant has been observed in individual(s) with aortopathy (PMID: 25944730). ClinVar contains an entry for this variant (Variation ID: 408434). Variants that disrupt the consensus splice site are a relatively common cause of aberrant splicing (PMID: 17576681, 9536098). Algorithms developed to predict the effect of sequence changes on RNA splicing suggest that this variant is not likely to affect RNA splicing. In summary, the available evidence is currently insufficient to determine the role of this variant in disease. Therefore, it has been classified as a Variant of Uncertain Significance.

Women's Health and Genetics/Laboratory Corporation of America, LabCorp
Classification: Uncertain significance. Last evaluated: 2025-10-08. Review status: criteria provided, single submitter. Criteria: LabCorp Variant Classification Summary - May 2015. Collection method: clinical testing. Allele origin: germline.
Comment: Variant summary: TGFBR2 c.95-3C>A alters a conserved nucleotide located close to a canonical splice site and therefore could affect mRNA splicing, leading to a significantly altered protein sequence. Several computational tools predict a significant impact on normal splicing: Four predict the variant weakens a 3' acceptor site. However, these predictions have yet to be confirmed by functional studies. The variant allele was found at a frequency of 2e-05 in 250744 control chromosomes (gnomAD). The available data on variant occurrences in the general population are insufficient to allow any conclusion about variant significance. c.95-3C>A has been observed in at least one individual affected with clinical features of Thoracic Aortic Aneurysms And Dissections (Wooderchak-Donahue_2015). The report does not provide unequivocal conclusions about association of the variant with Aortopathy. To our knowledge, no experimental evidence demonstrating an impact on protein function has been reported. The following publication have been ascertained in the context of this evaluation (PMID: 25944730). ClinVar contains an entry for this variant (Variation ID: 408434). Based on the evidence outlined above, the variant was classified as uncertain significance.

Ambry Genetics
Classification: Uncertain significance for Familial thoracic aortic aneurysm and aortic dissection. Last evaluated: 2025-08-27. Review status: criteria provided, single submitter. Criteria: Ambry Variant Classification Scheme 2023. Collection method: clinical testing. Allele origin: germline.
Comment: The c.95-3C>A intronic variant results from a C to A substitution 3 nucleotides before coding exon 2 in the TGFBR2 gene. This variant was reported in individual(s) with features consistent with thoracic aortic aneurysm or dissection (Wooderchak-Donahue W et al. Am. J. Med. Genet. A. 2015;167A:1747-57; Ambry internal data). This nucleotide position is well conserved in available vertebrate species. In silico splice site analysis predicts that this alteration will not have any significant effect on splicing. Since supporting evidence is limited at this time, the clinical significance of this alteration remains unclear.

Color Diagnostics, LLC DBA Color Health
Classification: Uncertain significance for Familial thoracic aortic aneurysm and aortic dissection. Last evaluated: 2024-05-30. Review status: criteria provided, single submitter. Criteria: ACMG Guidelines, 2015. Collection method: clinical testing. Allele origin: germline.
Comment: This variant causes a C to A nucleotide substitution at the -3 position of intron 1 of the TGFBR2 gene. To our knowledge, functional studies have not been reported for this variant. This variant has been reported in one individual suspected to be affected with aortopathy (PMID: 25944730). This variant has been identified in 6/282146 chromosomes in the general population by the Genome Aggregation Database (gnomAD). The available evidence is insufficient to determine the role of this variant in disease conclusively. Therefore, this variant is classified as a Variant of Uncertain Significance.

Blueprint Genetics
Classification: Likely benign. Last evaluated: 2024-05-16. Review status: criteria provided, single submitter. Criteria: ACMG Guidelines, 2015. Collection method: clinical testing. Allele origin: germline.

Victorian Clinical Genetics Services, Murdoch Childrens Research Institute
Classification: Uncertain significance for Loeys-Dietz syndrome 2. Last evaluated: 2022-06-24. Review status: criteria provided, single submitter. Criteria: ACMG Guidelines, 2015. Collection method: clinical testing. Allele origin: germline. Inheritance: Autosomal dominant inheritance.
Comment: Based on the classification scheme VCGS_Germline_v1.3.4, this variant is classified as VUS-3C. Following criteria are met: 0103 - Loss of function and gain of function are mechanisms of disease in this gene and are associated with Loeys-Dietz syndrome 2 (MIM#610168). Both LoF and GoF have been demonstrated as potential disease mechanisms in patients with Loeys-Dietz syndrome 2 (GeneReview, PMID: 15731757, 32528524, 28679693). (I) 0107 - This gene is associated with autosomal dominant disease. (I) 0212 - Non-canonical splice site variant without proven consequence on splicing (no functional evidence available). (SP) 0251 - This variant is heterozygous. (I) 0302 - Variant is present in gnomAD (v2 & v3) <0.001 for a dominant condition (10 heterozygotes, 0 homozygotes). (SP) 0506 - Abnormal splicing is not predicted and nucleotide is poorly conserved. (SB) 0710 - Other variants affecting the same nucleotide comparable to the one identified in this case have inconclusive previous evidence for pathogenicity. c.95-3C>G and c.95-3C>T have both been reported as VUS in ClinVar. (I) 0809 - Previous evidence of pathogenicity for this variant is inconclusive. It has been regarded as a VUS both in ClinVar and in an individual with a suspected aortopathy (PMID: 25944730). (I) 0905 - No published segregation evidence has been identified for this variant. (I) 1007 - No published functional evidence has been identified for this variant. (I) Legend: (SP) - Supporting pathogenic, (I) - Information, (SB) - Supporting benign

Fulgent Genetics
Classification: Uncertain significance for Malignant tumor of esophagus; Loeys-Dietz syndrome 2; Colorectal cancer, hereditary nonpolyposis, type 6. Last evaluated: 2021-10-14. Review status: criteria provided, single submitter. Criteria: ACMG Guidelines, 2015. Collection method: clinical testing. Allele origin: unknown.

GeneDx
Classification: Uncertain significance. Last evaluated: 2020-08-04. Review status: criteria provided, single submitter. Criteria: GeneDx Variant Classification Process June 2021. Collection method: clinical testing. Allele origin: germline. Affected: yes.
Comment: Identified in one individual referred for aortopathy genetic testing in the published literature (Wooderchak-Donahue et al., 2015); In-silico analysis, which includes splice predictors and evolutionary conservation, is inconclusive as to whether the variant alters gene splicing; in the absence of RNA/functional studies, the actual effect of this sequence change is unknown; This variant is associated with the following publications: (PMID: 25944730)

Clinical Genomics, Uppaluri K&H Personalized Medicine Clinic
Classification: Likely benign for Diabetic retinopathy. Review status: criteria provided, single submitter. Criteria: K And H Uppaluri Personalized Medicine Clinic Variant Classification And Assertion Criteria Updated V 2. Collection method: research. Allele origin: unknown.
Comment: Potent mutations in TGFBR2 gene encodes the transforming growth factor that have been associated with angiogenesis and diabetic retinopathy. More clinical studies are needed for stronger association. However, more evidence is required to confer the association of this particular variant rs375330013 with diabetic retinopathy.

Dr. Peter K. Rogan Lab, Western University
No classification provided (evidence only). Condition: Malignant tumor of esophagus. Review status: no classification provided. Collection method: in vitro. Allele origin: not applicable. Functional consequence: retained intron. Not counted in ClinVar's aggregate classification.

Literature cited by the submitters: PubMed 25944730 (cited by 5 submitters); PubMed 17576681 (cited by Labcorp Genetics (formerly Invitae), Labcorp); PubMed 9536098 (cited by Labcorp Genetics (formerly Invitae), Labcorp); PubMed 15731757 (cited by Victorian Clinical Genetics Services, Murdoch Childrens Research Institute); PubMed 28679693 (cited by Victorian Clinical Genetics Services, Murdoch Childrens Research Institute); PubMed 32528524 (cited by Victorian Clinical Genetics Services, Murdoch Childrens Research Institute); PubMed 30222965 (cited by Clinical Genomics, Uppaluri K&H Personalized Medicine Clinic); PubMed 28162229 (cited by Clinical Genomics, Uppaluri K&H Personalized Medicine Clinic); PubMed 34572573 (cited by Clinical Genomics, Uppaluri K&H Personalized Medicine Clinic).

NM_003242.6(TGFBR2):c.95-3C>A

Gene: TGFBR2 (transforming growth factor beta receptor 2; plus strand). Cytogenetic location: 3p24.1.
Variant type: single nucleotide variant.
Coding change: c.95-3C>A on transcript NM_003242.6 (MANE Select); 3 bases into the intron before coding-DNA position 95, C replaced by A.
Molecular consequence: intron variant.
Genome position (GRCh38, 1-based): chr3:30,644,744, C>A. VCF-style: chr3-30644744-C-A. GRCh37 (hg19) VCF-style: chr3-30686236-C-A.
Other names: c.-11-3C>A (NM_001407129.1, NM_001407132.1, NM_001407136.1 and 3 more transcripts); c.170-3C>A (NM_001407126.1, NM_001024847.3, NM_001407139.1); c.169+21471C>A (NM_001407137.1); c.95-3C>A (NM_001407127.1, NM_001407130.1); c.95-26894C>A (NM_001407138.1); c.122-3C>A (NM_001407128.1).
Identifiers: ClinVar variation 408434 (VCV000408434.25), dbSNP rs375330013, ClinGen allele CA050622.